The following is an entry in ClinVar:

NM_002485.5(NBN):c.367T>G (p.Ser123Ala)

Gene: NBN (nibrin; minus strand). Cytogenetic location: 8q21.3.
Variant type: single nucleotide variant.
Coding change: c.367T>G on transcript NM_002485.5 (MANE Select); coding-DNA position 367, T replaced by G.
Protein change: p.Ser123Ala; replaces serine 123 with alanine.
Molecular consequence: missense variant.
Genome position (GRCh38, 1-based): chr8:89,980,847, A>C on the plus strand (T>G on the coding strand, the complement: NBN is on the minus strand). VCF-style: chr8-89980847-A-C. GRCh37 (hg19) VCF-style: chr8-90993075-A-C.
Other names: c.121T>G, p.Ser41Ala (NM_001024688.3); short protein forms S123A, S41A.
Identifiers: ClinVar variation 187287 (VCV000187287.21), dbSNP rs786203615, ClinGen allele CA197249.

ClinVar aggregate classification (germline): Uncertain significance. Review status: criteria provided, multiple submitters, no conflicts (2 of 4 stars). 3 submissions from 3 submitters: Uncertain significance (3). Last evaluated 2025-06-02.

Conditions:
Hereditary cancer-predisposing syndrome. Also called: Hereditary Cancer Syndrome; Neoplastic Syndromes, Hereditary; Tumor predisposition; Hereditary neoplastic syndrome. Identifiers: Orphanet 140162, MedGen C0027672, MeSH D009386, MONDO:0015356.
Microcephaly, normal intelligence and immunodeficiency (NBS). Also called: IMMUNODEFICIENCY, MICROCEPHALY, AND CHROMOSOMAL INSTABILITY; SEEMANOVA SYNDROME II; Immunodeficiency, microcephaly with normal intelligence; Ataxia telangiectasia variant V1; Nijmegen breakage syndrome; Microcephaly with normal intelligence immunodeficiency and lymphoreticular malignancies. Identifiers: Orphanet 647, MedGen C0398791, MONDO:0009623, OMIM 251260.

Allele frequency attached by ClinVar (database versions not stated): gnomAD exomes 0.00002.

Submissions (3):

Labcorp Genetics (formerly Invitae), Labcorp
Classification: Uncertain significance for Microcephaly, normal intelligence and immunodeficiency. Last evaluated: 2025-06-02. Review status: criteria provided, single submitter. Criteria: Invitae Variant Classification Sherloc (09022015). Collection method: clinical testing. Allele origin: germline.
Comment: This sequence change replaces serine, which is neutral and polar, with alanine, which is neutral and non-polar, at codon 123 of the NBN protein (p.Ser123Ala). This variant is not present in population databases (gnomAD no frequency). This variant has not been reported in the literature in individuals affected with NBN-related conditions. ClinVar contains an entry for this variant (Variation ID: 187287). An algorithm developed to predict the effect of missense changes on protein structure and function (PolyPhen-2) suggests that this variant is likely to be tolerated. In summary, the available evidence is currently insufficient to determine the role of this variant in disease. Therefore, it has been classified as a Variant of Uncertain Significance.

Ambry Genetics
Classification: Uncertain significance for Hereditary cancer-predisposing syndrome. Last evaluated: 2024-04-23. Review status: criteria provided, single submitter. Criteria: Ambry Variant Classification Scheme 2023. Collection method: clinical testing. Allele origin: germline.

Genome-Nilou Lab
Classification: Uncertain significance for Microcephaly, normal intelligence and immunodeficiency. Last evaluated: 2021-11-07. Review status: criteria provided, single submitter. Criteria: ACMG Guidelines, 2015. Collection method: clinical testing. Allele origin: germline. Affected: no.